The following is an entry in ClinVar:

NM_001267550.2(TTN):c.41503C>T (p.Arg13835Trp)

Gene: TTN (titin; minus strand). Cytogenetic location: 2q31.2.
Variant type: single nucleotide variant.
Coding change: c.41503C>T on transcript NM_001267550.2 (MANE Select); coding-DNA position 41503, C replaced by T.
Protein change: p.Arg13835Trp; replaces arginine 13835 with tryptophan.
Molecular consequence: missense variant.
Genome position (GRCh38, 1-based): chr2:178,636,068, G>A on the plus strand (C>T on the coding strand, the complement: TTN is on the minus strand). VCF-style: chr2-178636068-G-A. GRCh37 (hg19) VCF-style: chr2-179500795-G-A.
Other names: NC_000002.11:g.179500795G>A; c.36580C>T, p.Arg12194Trp (NM_001256850.1); c.14308C>T, p.Arg4770Trp (NM_003319.4); c.33799C>T, p.Arg11267Trp (NM_133378.4); c.14683C>T, p.Arg4895Trp (NM_133432.3); c.14884C>T, p.Arg4962Trp (NM_133437.4); short protein forms R11267W, R13835W, R4895W, R12194W, R4770W, R4962W.
Identifiers: ClinVar variation 332873 (VCV000332873.8), dbSNP rs886055278, ClinGen allele CA10612081.

ClinVar aggregate classification (germline): Uncertain significance. Review status: criteria provided, multiple submitters, no conflicts (2 of 4 stars). 7 submissions from 3 submitters: Uncertain significance (6). 1 of the submissions does not count toward it. Last evaluated 2019-11-21.

Conditions:
TTN-related disorder. Also called: TTN-related condition; TTN-related disease; TTN-related disorders.
Early-onset myopathy with fatal cardiomyopathy (CMYO5). Also called: CONGENITAL MYOPATHY 5 WITH CARDIOMYOPATHY; Salih Myopathy. Identifiers: Orphanet 289377, MedGen C2673677, MONDO:0012714, OMIM 611705. Disease mechanism: loss of function.
Tibial muscular dystrophy (TMD). Also called: Udd Distal Myopathy – Tibial Muscular Dystrophy; UDD MYOPATHY; Tibial muscular dystrophy, tardive. Identifiers: Orphanet 609, MedGen C1838244, MONDO:0010870, OMIM 600334.
Dilated cardiomyopathy 1G (CMD1G). Identifiers: Orphanet 154, MedGen C1858763, MONDO:0011400, OMIM 604145.
Myopathy, myofibrillar, 9, with early respiratory failure (MFM9). Also called: Myopathy, distal, with early respiratory failure, autosomal dominant; Hereditary myopathy with early respiratory failure; EDSTROM MYOPATHY; MYOPATHY, PROXIMAL, WITH EARLY RESPIRATORY MUSCLE INVOLVEMENT. Identifiers: Orphanet 178464, Orphanet 34521, MedGen C1863599, MONDO:0011362, OMIM 603689.
Autosomal recessive limb-girdle muscular dystrophy type 2J (LGMDR10). Also called: MUSCULAR DYSTROPHY, LIMB-GIRDLE, AUTOSOMAL RECESSIVE 10; Limb-girdle muscular dystrophy, type 2J. Identifiers: Orphanet 140922, MedGen C1837342, MONDO:0012127, OMIM 608807.

Allele frequency attached by ClinVar (database versions not stated): TOPMed below 0.00001; gnomAD exomes 0.00001.
gnomAD v4.1: 20 of 1,613,186 alleles (0.0012%); highest among the groups gnomAD compares: Non-Finnish European, 0.0017%; no homozygotes.

Submissions (8):

GeneDx
Classification: Uncertain significance. Last evaluated: 2019-11-21. Review status: criteria provided, single submitter. Criteria: GeneDx Variant Classification Process June 2021. Collection method: clinical testing. Allele origin: germline. Affected: yes.
Comment: Not observed in large population cohorts (Lek et al., 2016); Missense variant in a gene in which most reported pathogenic variants are truncating/loss-of-function; Has not been previously published as pathogenic or benign to our knowledge

Illumina Laboratory Services, Illumina
Classification: Uncertain significance for Early-onset myopathy with fatal cardiomyopathy. Last evaluated: 2018-01-12. Review status: criteria provided, single submitter. Criteria: ICSL Variant Classification Criteria 13 December 2019. Collection method: clinical testing. Allele origin: germline.

Illumina Laboratory Services, Illumina
Classification: Uncertain significance for Dilated cardiomyopathy 1G. Last evaluated: 2018-01-12. Review status: criteria provided, single submitter. Criteria: ICSL Variant Classification Criteria 13 December 2019. Collection method: clinical testing. Allele origin: germline.

Illumina Laboratory Services, Illumina
Classification: Uncertain significance for Autosomal recessive limb-girdle muscular dystrophy type 2J. Last evaluated: 2018-01-12. Review status: criteria provided, single submitter. Criteria: ICSL Variant Classification Criteria 13 December 2019. Collection method: clinical testing. Allele origin: germline.

Illumina Laboratory Services, Illumina
Classification: Uncertain significance for Tibial muscular dystrophy. Last evaluated: 2018-01-12. Review status: criteria provided, single submitter. Criteria: ICSL Variant Classification Criteria 13 December 2019. Collection method: clinical testing. Allele origin: germline.

Illumina Laboratory Services, Illumina
Classification: Uncertain significance for Myopathy, myofibrillar, 9, with early respiratory failure. Last evaluated: 2018-01-12. Review status: criteria provided, single submitter. Criteria: ICSL Variant Classification Criteria 13 December 2019. Collection method: clinical testing. Allele origin: germline.

PreventionGenetics, part of Exact Sciences
Classification: Uncertain significance for TTN-related condition. Last evaluated: 2024-08-30. Review status: no assertion criteria provided. Collection method: clinical testing. Allele origin: germline. Not counted in ClinVar's aggregate classification.
Comment: The TTN c.41503C>T variant is predicted to result in the amino acid substitution p.Arg13835Trp. This variant has been reported in an individual with left ventricular noncompaction and dilated cardiomyopathy; however, this individual also carried another missense variant in a cardiomyopathy-associated gene (Mehaney et al. 2022. PubMed ID: 34036930). This variant has not been reported in a large population database, indicating this variant is rare. At this time, the clinical significance of this variant is uncertain due to the absence of conclusive functional and genetic evidence.

Dr. Peter K. Rogan Lab, Western University
No classification provided (evidence only). Condition: Ovarian serous cystadenocarcinoma. Review status: no classification provided. Collection method: in vitro. Allele origin: not applicable. Functional consequence: retained intron. Not counted in ClinVar's aggregate classification.